The following is an entry in ClinVar:

NM_024675.4(PALB2):c.3523_3529delinsAAAAAAAAA (p.Gln1175fs)

Gene: PALB2 (partner and localizer of BRCA2; minus strand). Cytogenetic location: 16p12.2.
Variant type: Indel.
Coding change: c.3523_3529delinsAAAAAAAAA on transcript NM_024675.4 (MANE Select); coding-DNA positions 3523 to 3529, CAAAAAG replaced by AAAAAAAAA.
Protein change: p.Gln1175fs; shifts the reading frame from glutamine 1175.
Molecular consequence: frameshift variant.
Genome position (GRCh38, 1-based): chr16:23,603,491-23,603,497, CTTTTTG replaced by TTTTTTTTT on the plus strand (CAAAAAG replaced by AAAAAAAAA on the coding strand, the reverse complement: PALB2 is on the minus strand). VCF-style: chr16-23603491-CTTTTTG-TTTTTTTTT. GRCh37 (hg19) VCF-style: chr16-23614812-CTTTTTG-TTTTTTTTT.
Other names: c.3523_3529delCAAAAAGinsAAAAAAAAA (NM_024675.3); short protein forms Q1175fs.
Identifiers: ClinVar variation 1172879 (VCV001172879.3), dbSNP rs2142251364, ClinGen allele CA2499223397.

ClinVar aggregate classification (germline): Likely pathogenic. Review status: criteria provided, multiple submitters, no conflicts (2 of 4 stars). 2 submissions from 2 submitters: Likely pathogenic (2). Last evaluated 2023-09-20.

Conditions:
Malignant tumor of breast. Also called: Cancer breast; Malignant breast neoplasm. Identifiers: MedGen C0006142, MONDO:0007254. Disease mechanism: loss of function.
Hereditary cancer-predisposing syndrome. Also called: Tumor predisposition; Hereditary neoplastic syndrome; Hereditary Cancer Syndrome; Neoplastic Syndromes, Hereditary. Identifiers: Orphanet 140162, MedGen C0027672, MeSH D009386, MONDO:0015356.

Submissions (2):

Ambry Genetics
Classification: Likely pathogenic for Hereditary cancer-predisposing syndrome. Last evaluated: 2023-09-20. Review status: criteria provided, single submitter. Criteria: Ambry Variant Classification Scheme 2023. Collection method: clinical testing. Allele origin: germline.
Comment: The c.3523_3529delCAAAAAGinsAAAAAAAAA variant, located in coding exon 13 of the PALB2 gene, results from the deletion of 7 nucleotides and insertion of 9 nucleotides causing a translational frameshift with a predicted alternate stop codon (p.Q1175Kfs*17). This alteration occurs at the 3' terminus of the PALB2 gene, is not expected to trigger nonsense-mediated mRNA decay, and only impacts the last 12 amino acids of the protein. However, premature stop codons are typically deleterious in nature and the impacted region is critical for protein function (Ambry internal data). This variant is considered to be rare based on population cohorts in the Genome Aggregation Database (gnomAD). Based on the majority of available evidence to date, this variant is likely to be pathogenic.

Women's Health and Genetics/Laboratory Corporation of America, LabCorp
Classification: Likely pathogenic for Malignant tumor of breast. Last evaluated: 2021-06-02. Review status: criteria provided, single submitter. Criteria: LabCorp Variant Classification Summary - May 2015. Collection method: clinical testing. Allele origin: germline.
Comment: Variant summary: PALB2 c.3523_3529delinsAAAAAAAAA (p.Gln1175LysfsX17) causes a frameshift which results in an extension of the protein. The variant was absent in 251468 control chromosomes (gnomAD). To our knowledge, no occurrence of c.3523_3529delinsAAAAAAAAA in individuals affected with Breast Cancer and no experimental evidence demonstrating its impact on protein function have been reported. No clinical diagnostic laboratories have submitted clinical-significance assessments for this variant to ClinVar after 2014. However, other truncation and frameshift variants in this region have been cited as pathogenic in the ClinVar and HGMD databases (example: p.Y1183*, p.Val1182fs, p.Phe1181fs, p.Ile1180Metfs*10). Based on the evidence outlined above, the variant was classified as likely pathogenic.